The following is an entry in ClinVar:

ClinVar aggregate classification (germline): Benign (1 of 4 stars; one submission).

Submission:

GeneDx
Classification: Benign. Last evaluated: 2018-06-16. Review status: criteria provided, single submitter. Criteria: GeneDx Variant Classification (06012015). Collection method: clinical testing. Allele origin: germline. Affected: yes.
Comment: This variant is considered likely benign or benign based on one or more of the following criteria: it is a conservative change, it occurs at a poorly conserved position in the protein, it is predicted to be benign by multiple in silico algorithms, and/or has population frequency not consistent with disease.

NM_001080449.3(DNA2):c.2209-51del

Gene: DNA2 (DNA replication helicase/nuclease 2; minus strand). Cytogenetic location: 10q21.3.
Variant type: Deletion.
Coding change: c.2209-51del on transcript NM_001080449.3 (MANE Select); 51 bases into the intron before coding-DNA position 2209, one base deleted (A; older notation c.2209-51delA).
Molecular consequence: intron variant.
Genome position (GRCh38, 1-based): chr10:68,422,941, T deleted on the plus strand (A on the coding strand, the reverse complement: DNA2 is on the minus strand); the first of 4 consecutive T bases (chr10:68,422,941-68,422,944); deleting any one gives the same sequence. VCF-style (leftmost placement, unchanged base first): chr10-68422940-GT-G. GRCh37 (hg19) VCF-style: chr10-70182697-GT-G.
Identifiers: ClinVar variation 675539 (VCV000675539.1), dbSNP rs141172562, ClinGen allele CA5524875.